The following is an entry in ClinVar:

ClinVar aggregate classification (germline): Pathogenic/Likely pathogenic. Review status: criteria provided, multiple submitters, no conflicts (2 of 4 stars). 2 submissions from 2 submitters: Pathogenic (1); Likely pathogenic (1). Last evaluated 2025-02-26.

Conditions:
Meier-Gorlin syndrome 3 (MGORS3). Identifiers: Orphanet 2554, MedGen C3151113, MONDO:0013430, OMIM 613803.

Submissions (2):

Labcorp Genetics (formerly Invitae), Labcorp
Classification: Pathogenic. Last evaluated: 2025-02-26. Review status: criteria provided, single submitter. Criteria: Invitae Variant Classification Sherloc (09022015). Collection method: clinical testing. Allele origin: germline.
Comment: This sequence change creates a premature translational stop signal (p.Ala170Serfs*4) in the ORC6 gene. It is expected to result in an absent or disrupted protein product. Loss-of-function variants in ORC6 are known to be pathogenic (PMID: 21358632, 25691413). This variant is present in population databases (rs752056987, gnomAD 0.02%). This variant has not been reported in the literature in individuals affected with ORC6-related conditions. ClinVar contains an entry for this variant (Variation ID: 2967020). Algorithms developed to predict the effect of sequence changes on RNA splicing suggest that this variant may disrupt the consensus splice site. For these reasons, this variant has been classified as Pathogenic.

Juno Genomics, Hangzhou Juno Genomics, Inc
Classification: Likely pathogenic for Meier-Gorlin syndrome 3. Review status: criteria provided, single submitter. Criteria: ACMG Guidelines, 2015. Collection method: clinical testing. Allele origin: germline. Affected: yes.
Comment: Absent from controls (or at extremely low frequency if recessive) in Genome Aggregation Database, Exome Sequencing Project, 1000 Genomes Project, or Exome Aggregation Consortium.;Null variant in a gene where loss of function (LOF) is a known mechanism of disease.

Literature cited by the submitters: PubMed 21358632 (cited by Labcorp Genetics (formerly Invitae), Labcorp); PubMed 25691413 (cited by Labcorp Genetics (formerly Invitae), Labcorp).

NM_014321.4(ORC6):c.507dup (p.Ala170fs)

Gene: ORC6 (origin recognition complex subunit 6; plus strand). Cytogenetic location: 16q11.2.
Variant type: Duplication.
Coding change: c.507dup on transcript NM_014321.4 (MANE Select); coding-DNA position 507, one base duplicated (A; older notation c.507dupA).
Protein change: p.Ala170fs; shifts the reading frame from alanine 170.
Molecular consequence: frameshift variant. On other transcripts: non-coding transcript variant (1).
Genome position (GRCh38, 1-based): chr16:46,695,619, A duplicated; the last of 7 consecutive A bases (chr16:46,695,613-46,695,619); duplicating any one gives the same sequence. VCF-style (leftmost placement, unchanged base first): chr16-46695612-T-TA. GRCh37 (hg19) VCF-style: chr16-46729524-T-TA.
Other names: short protein forms A170fs.
Identifiers: ClinVar variation 2967020 (VCV002967020.5), dbSNP rs35441257, ClinGen allele CA8037408.
Genomic context (GRCh38, chr16:46,695,612, plus strand): 5'-TGTTTTGTAGGATTCTAAAGCTGAAAGTGGATAAAAACAAAATGGTAGCCACATCCGGTG[T>TA]AAAAAAAGCTATATTTGATCGACTGTGTAAACAACTAGAGAAGATTGGACAGCAGGTCGA-3'